The following is an entry in ClinVar:

ClinVar aggregate classification (germline): Uncertain significance. Review status: criteria provided, multiple submitters, no conflicts (2 of 4 stars). 2 submissions from 2 submitters: Uncertain significance (2). Last evaluated 2024-04-07.

Conditions:
Cardiovascular phenotype. Identifiers: MedGen CN230736.
RASopathy. Also called: Noonan spectrum disorder; rasopathies. Identifiers: Orphanet 536391, MedGen C5555857, MONDO:0021060.

Allele frequency attached by ClinVar (database versions not stated): gnomAD exomes below 0.00001.

Submissions (2):

Ambry Genetics
Classification: Uncertain significance for Cardiovascular phenotype. Last evaluated: 2024-04-07. Review status: criteria provided, single submitter. Criteria: Ambry Variant Classification Scheme 2023. Collection method: clinical testing. Allele origin: germline.
Comment: The p.G106E variant (also known as c.317G>A), located in coding exon 3 of the BRAF gene, results from a G to A substitution at nucleotide position 317. The glycine at codon 106 is replaced by glutamic acid, an amino acid with similar properties. This amino acid position is conserved. In addition, this alteration is predicted to be deleterious by in silico analysis. Based on the available evidence, the clinical significance of this variant remains unclear.

Labcorp Genetics (formerly Invitae), Labcorp
Classification: Uncertain significance for RASopathy. Last evaluated: 2021-07-10. Review status: criteria provided, single submitter. Criteria: Invitae Variant Classification Sherloc (09022015). Collection method: clinical testing. Allele origin: germline.
Comment: This sequence change replaces glycine with glutamic acid at codon 106 of the BRAF protein (p.Gly106Glu). The glycine residue is moderately conserved and there is a moderate physicochemical difference between glycine and glutamic acid. This variant is not present in population databases (ExAC no frequency). This variant has not been reported in the literature in individuals affected with BRAF-related conditions. Algorithms developed to predict the effect of missense changes on protein structure and function are either unavailable or do not agree on the potential impact of this missense change (SIFT: "Tolerated"; PolyPhen-2: "Possibly Damaging"; Align-GVGD: "Class C0"). In summary, the available evidence is currently insufficient to determine the role of this variant in disease. Therefore, it has been classified as a Variant of Uncertain Significance.

NM_004333.6(BRAF):c.317G>A (p.Gly106Glu)

Gene: BRAF (B-Raf proto-oncogene, serine/threonine kinase; minus strand). Cytogenetic location: 7q34.
Variant type: single nucleotide variant.
Coding change: c.317G>A on transcript NM_004333.6 (MANE Select); coding-DNA position 317, G replaced by A.
Protein change: p.Gly106Glu; replaces glycine 106 with glutamic acid.
Molecular consequence: missense variant. On other transcripts: intron variant (1).
Genome position (GRCh38, 1-based): chr7:140,834,796, C>T on the plus strand (G>A on the coding strand, the complement: BRAF is on the minus strand). VCF-style: chr7-140834796-C-T. GRCh37 (hg19) VCF-style: chr7-140534596-C-T.
Other names: c.317G>A (NM_004333.4); c.317G>A, p.Gly106Glu (NM_001354609.2, NM_001374244.1, NM_001374258.1 and 5 more transcripts); c.215G>A, p.Gly72Glu (NM_001378470.1); c.161G>A, p.Gly54Glu (NM_001378472.1, NM_001378473.1); c.240+15315G>A (NM_001378475.1); short protein forms G54E, G72E, G106E.
Identifiers: ClinVar variation 1426556 (VCV001426556.9), dbSNP rs1322163182, ClinGen allele CA369593800.